The following is an entry in ClinVar:

NM_033004.4(NLRP1):c.3915+121G>C

Gene: NLRP1 (NLR family pyrin domain containing 1; minus strand). Cytogenetic location: 17p13.2.
Variant type: single nucleotide variant.
Coding change: c.3915+121G>C on transcript NM_033004.4 (MANE Select); 121 bases into the intron after coding-DNA position 3915, G replaced by C.
Molecular consequence: intron variant.
Genome position (GRCh38, 1-based): chr17:5,520,760, C>G on the plus strand (G>C on the coding strand, the complement: NLRP1 is on the minus strand). VCF-style: chr17-5520760-C-G. GRCh37 (hg19) VCF-style: chr17-5424080-C-G.
Other names: c.3927+121G>C (NM_001033053.3); c.3693+764G>C (NM_033007.4); c.3825+121G>C (NM_033006.4); c.3783+764G>C (NM_014922.5).
Identifiers: ClinVar variation 103027 (VCV000103027.2), dbSNP rs199476216, ClinGen allele CA018518.
Genomic context (GRCh38, chr17:5,520,760, plus strand): 5'-CTCCTCCGAACTTTCTTTCTCCTAGTCTTGGAAGCATTCCCACTTTCTCTAAATCCCACT[C>G]ACTTTCTGTTCAACCTCGATTTATCCTGTCCCTGAGAAAGCCCTGAGACCTGCCCCACAG-3'

ClinVar aggregate classification (germline): not provided (0 of 4 stars; one submission).

Allele frequency attached by ClinVar (database versions not stated): gnomAD 0.00001.
gnomAD v4.1: 1 of 928,256 alleles (0.00011%); highest among the groups gnomAD compares: East Asian, 0.0028%; no homozygotes.

Submission:

Human Evolutionary Genetics, Institut Pasteur
No classification provided. Review status: no classification provided. Collection method: not provided. Allele origin: germline.
ClinVar note: Converted during submission from untested to not provided.